The following is an entry in ClinVar:

NM_025137.4(SPG11):c.6293T>C (p.Met2098Thr)

Gene: SPG11 (SPG11 vesicle trafficking associated, spatacsin; minus strand). Cytogenetic location: 15q21.1.
Variant type: single nucleotide variant.
Coding change: c.6293T>C on transcript NM_025137.4 (MANE Select); coding-DNA position 6293, T replaced by C.
Protein change: p.Met2098Thr; replaces methionine 2098 with threonine.
Molecular consequence: missense variant.
Genome position (GRCh38, 1-based): chr15:44,572,733, A>G on the plus strand (T>C on the coding strand, the complement: SPG11 is on the minus strand). VCF-style: chr15-44572733-A-G. GRCh37 (hg19) VCF-style: chr15-44864931-A-G.
Other names: c.5954T>C, p.Met1985Thr (NM_001160227.2); short protein forms M2098T, M1985T.
Identifiers: ClinVar variation 840966 (VCV000840966.9), dbSNP rs2082448645, ClinGen allele CA392217249.

ClinVar aggregate classification (germline): Uncertain significance (1 of 4 stars; one submission).

Conditions:
Hereditary spastic paraplegia 11. Also called: Spastic paraplegia, mental retardation and thin corpus callosum; Nakamura Osame syndrome; Autosomal recessive hereditary spastic paraplegia, mental impairment, and thin corpus callosum; SPASTIC PARAPLEGIA, AUTOSOMAL RECESSIVE, COMPLICATED, WITH THIN CORPUS CALLOSUM; SPASTIC PARAPLEGIA, AUTOSOMAL RECESSIVE, WITH MENTAL IMPAIRMENT AND THIN CORPUS CALLOSUM; Spastic Paraplegia 11. Identifiers: Orphanet 2822, MedGen C1858479, MONDO:0011445, OMIM 604360.

Submission:

Labcorp Genetics (formerly Invitae), Labcorp
Classification: Uncertain significance for Hereditary spastic paraplegia 11. Last evaluated: 2023-08-24. Review status: criteria provided, single submitter. Criteria: Invitae Variant Classification Sherloc (09022015). Collection method: clinical testing. Allele origin: germline.
Comment: This sequence change replaces methionine, which is neutral and non-polar, with threonine, which is neutral and polar, at codon 2098 of the SPG11 protein (p.Met2098Thr). This variant is not present in population databases (gnomAD no frequency). This variant has not been reported in the literature in individuals affected with SPG11-related conditions. ClinVar contains an entry for this variant (Variation ID: 840966). Advanced modeling of protein sequence and biophysical properties (such as structural, functional, and spatial information, amino acid conservation, physicochemical variation, residue mobility, and thermodynamic stability) performed at Invitae indicates that this missense variant is not expected to disrupt SPG11 protein function. In summary, the available evidence is currently insufficient to determine the role of this variant in disease. Therefore, it has been classified as a Variant of Uncertain Significance.